The following is an entry in ClinVar:

ClinVar aggregate classification (germline): Uncertain significance. Review status: criteria provided, multiple submitters, no conflicts (2 of 4 stars). 2 submissions from 2 submitters: Uncertain significance (2). Last evaluated 2025-05-20.

Conditions:
Immunodeficiency 18 (IMD18). Also called: CD3epsilon deficiency; CD3-EPSILON DEFICIENCY. Identifiers: MedGen C3810127, MONDO:0014278, OMIM 615615.
Inborn genetic diseases. Identifiers: MedGen C0950123, MeSH D030342.

Allele frequency attached by ClinVar (database versions not stated): gnomAD exomes 0.00001.
gnomAD v4.1: 12 of 1,614,040 alleles (0.00074%); highest among the groups gnomAD compares: Non-Finnish European, 0.001%; no homozygotes.

Submissions (2):

Ambry Genetics
Classification: Uncertain significance for Inborn genetic diseases. Last evaluated: 2025-05-20. Review status: criteria provided, single submitter. Criteria: Ambry Variant Classification Scheme 2023. Collection method: clinical testing. Allele origin: germline.

Labcorp Genetics (formerly Invitae), Labcorp
Classification: Uncertain significance for Immunodeficiency 18. Last evaluated: 2018-12-01. Review status: criteria provided, single submitter. Criteria: Invitae Variant Classification Sherloc (09022015). Collection method: clinical testing. Allele origin: germline.
Comment: In summary, the available evidence is currently insufficient to determine the role of this variant in disease. Therefore, it has been classified as a Variant of Uncertain Significance. Algorithms developed to predict the effect of missense changes on protein structure and function (SIFT, PolyPhen-2, Align-GVGD) all suggest that this variant is likely to be tolerated, but these predictions have not been confirmed by published functional studies and their clinical significance is uncertain. This variant has not been reported in the literature in individuals with CD3E-related conditions. This variant is not present in population databases (ExAC no frequency). This sequence change replaces proline with threonine at codon 100 of the CD3E protein (p.Pro100Thr). The proline residue is weakly conserved and there is a small physicochemical difference between proline and threonine.

NM_000733.4(CD3E):c.298C>A (p.Pro100Thr)

Gene: CD3E (CD3 epsilon subunit of T-cell receptor complex; plus strand). Cytogenetic location: 11q23.3.
Variant type: single nucleotide variant.
Coding change: c.298C>A on transcript NM_000733.4 (MANE Select); coding-DNA position 298, C replaced by A.
Protein change: p.Pro100Thr; replaces proline 100 with threonine.
Molecular consequence: missense variant.
Genome position (GRCh38, 1-based): chr11:118,312,812, C>A. VCF-style: chr11-118312812-C-A. GRCh37 (hg19) VCF-style: chr11-118183527-C-A.
Other names: short protein forms P100T.
Identifiers: ClinVar variation 646902 (VCV000646902.8), dbSNP rs201369123, ClinGen allele CA229501444.